The following is an entry in ClinVar:

NM_173354.5(SIK1):c.1341G>C (p.Glu447Asp)

Gene: SIK1 (salt inducible kinase 1; minus strand). Cytogenetic location: 21q22.3.
Variant type: single nucleotide variant.
Coding change: c.1341G>C on transcript NM_173354.5 (MANE Select); coding-DNA position 1341, G replaced by C.
Protein change: p.Glu447Asp; replaces glutamic acid 447 with aspartic acid.
Molecular consequence: missense variant.
Genome position (GRCh38, 1-based): chr21:43,419,142, C>G on the plus strand (G>C on the coding strand, the complement: SIK1 is on the minus strand). VCF-style: chr21-43419142-C-G. GRCh37 (hg19) VCF-style: chr21-44839022-C-G.
Other names: short protein forms E447D.
Identifiers: ClinVar variation 2097620 (VCV002097620.4), dbSNP rs751367337, ClinGen allele CA410608210.

ClinVar aggregate classification (germline): Uncertain significance (1 of 4 stars; one submission).

Conditions:
Developmental and epileptic encephalopathy, 30 (DEE30). Also called: Epileptic encephalopathy, early infantile, 30. Identifiers: MedGen C4225360, MONDO:0014595, OMIM 616341.

Submission:

Labcorp Genetics (formerly Invitae), Labcorp
Classification: Uncertain significance for Developmental and epileptic encephalopathy, 30. Last evaluated: 2022-02-14. Review status: criteria provided, single submitter. Criteria: Invitae Variant Classification Sherloc (09022015). Collection method: clinical testing. Allele origin: germline.
Comment: In summary, the available evidence is currently insufficient to determine the role of this variant in disease. Therefore, it has been classified as a Variant of Uncertain Significance. Advanced modeling of protein sequence and biophysical properties (such as structural, functional, and spatial information, amino acid conservation, physicochemical variation, residue mobility, and thermodynamic stability) performed at Invitae indicates that this missense variant is not expected to disrupt SIK1 protein function. This sequence change replaces glutamic acid, which is acidic and polar, with aspartic acid, which is acidic and polar, at codon 447 of the SIK1 protein (p.Glu447Asp). This variant is not present in population databases (gnomAD no frequency). This variant has not been reported in the literature in individuals affected with SIK1-related conditions.